The following is an entry in ClinVar:

NM_024426.6(WT1):c.1393T>C (p.Phe465Leu)

Gene: WT1 (WT1 transcription factor; minus strand). Cytogenetic location: 11p13.
Variant type: single nucleotide variant.
Coding change: c.1393T>C on transcript NM_024426.6 (MANE Select); coding-DNA position 1393, T replaced by C.
Protein change: p.Phe465Leu; replaces phenylalanine 465 with leucine.
Molecular consequence: missense variant. On other transcripts: non-coding transcript variant (1).
Genome position (GRCh38, 1-based): chr11:32,392,026, A>G on the plus strand (T>C on the coding strand, the complement: WT1 is on the minus strand). VCF-style: chr11-32392026-A-G. GRCh37 (hg19) VCF-style: chr11-32413572-A-G.
Other names: WT1, PHE392LEU; c.1342T>C, p.Phe448Leu (NM_000378.6, NM_001407045.1); c.742T>C, p.Phe248Leu (NM_001198551.2); c.691T>C, p.Phe231Leu (NM_001198552.2); c.205T>C, p.Phe69Leu (NM_001367854.1); c.1387T>C, p.Phe463Leu (NM_001407044.1); c.1270T>C, p.Phe424Leu (NM_001407047.1); c.1252T>C, p.Phe418Leu (NM_001407048.1); and 4 more; short protein forms F248L, F231L, F448L, F465L, F69L, F211L, F407L, F418L.
Identifiers: ClinVar variation 3504 (VCV000003504.3), dbSNP rs28941779, ClinGen allele CA016316.

ClinVar aggregate classification (germline): Likely pathogenic. Review status: criteria provided, single submitter (1 of 4 stars). 2 submissions from 2 submitters: Likely pathogenic (1). 1 of the submissions does not count toward it. Last evaluated 2023-09-29.

Conditions:
Nephrotic syndrome, type 4 (NPHS4). Also called: Familial mesangial sclerosis; Nephrotic syndrome, early onset with diffuse mesangial sclerosis. Identifiers: Orphanet 656, MedGen C3151568, MONDO:0009733, OMIM 256370.
Frasier syndrome. Identifiers: Orphanet 347, MedGen C0950122, MeSH D052159, MONDO:0007635, OMIM 136680.

Submissions (2):

MVZ Medizinische Genetik Mainz
Classification: Likely pathogenic for Nephrotic syndrome, type 4. Last evaluated: 2023-09-29. Review status: criteria provided, single submitter. Criteria: UK Practice Guidelines For Variant Classification V4 01 2020. Collection method: clinical testing. Allele origin: germline. Inheritance: Autosomal dominant inheritance. Affected: yes. Observed: 1 variant allele.
Comment: ACMG Criteria: PS1_MOD,PS4_MOD,PM1,PS3_SUP,PM2_SUP,PP3

OMIM
Classification: Pathogenic for FRASIER SYNDROME. Last evaluated: 1999-01-01. Review status: no assertion criteria provided. Collection method: literature only. Allele origin: germline. Not counted in ClinVar's aggregate classification.

Literature cited by the submitters: PubMed 10571943 (cited by OMIM).